The following is an entry in ClinVar:

NM_175875.5(SIX5):c.1959G>A (p.Glu653=)

Gene: SIX5 (SIX homeobox 5; minus strand). Cytogenetic location: 19q13.32.
Variant type: single nucleotide variant.
Coding change: c.1959G>A on transcript NM_175875.5 (MANE Select); coding-DNA position 1959, G replaced by A.
Protein change: p.Glu653=; no amino-acid change (glutamic acid 653 retained).
Molecular consequence: synonymous variant.
Genome position (GRCh38, 1-based): chr19:45,765,762, C>T on the plus strand (G>A on the coding strand, the complement: SIX5 is on the minus strand). VCF-style: chr19-45765762-C-T. GRCh37 (hg19) VCF-style: chr19-46269020-C-T.
Other names: c.1959G>A (NM_175875.4).
Identifiers: ClinVar variation 1911091 (VCV001911091.30), dbSNP rs764189203, ClinGen allele CA9520461.

ClinVar aggregate classification (germline): Likely benign. Review status: criteria provided, multiple submitters, no conflicts (2 of 4 stars). 3 submissions from 3 submitters: Likely benign (2). 1 of the submissions does not count toward it. Last evaluated 2025-12-09.

Conditions:
SIX5-related disorder. Also called: SIX5-related condition.

Allele frequency attached by ClinVar (database versions not stated): TOPMed 0.00002; gnomAD exomes 0.00003; ExAC 0.00004.

Submissions (3):

Labcorp Genetics (formerly Invitae), Labcorp
Classification: Likely benign. Last evaluated: 2025-12-09. Review status: criteria provided, single submitter. Criteria: Invitae Variant Classification Sherloc (09022015). Collection method: clinical testing. Allele origin: germline.

CeGaT Center for Human Genetics Tuebingen
Classification: Likely benign. Last evaluated: 2023-07-01. Review status: criteria provided, single submitter. Criteria: CeGaT Center For Human Genetics Tuebingen Variant Classification Criteria Version 2. Collection method: clinical testing. Allele origin: germline. Affected: yes. Observed: 1 variant allele.
Comment: SIX5: BP4, BP7

PreventionGenetics, part of Exact Sciences
Classification: Likely benign for SIX5-related condition. Last evaluated: 2019-05-23. Review status: no assertion criteria provided. Collection method: clinical testing. Allele origin: germline. Not counted in ClinVar's aggregate classification.
Comment: This variant is classified as likely benign based on ACMG/AMP sequence variant interpretation guidelines (Richards et al. 2015 PMID: 25741868, with internal and published modifications).